The following is an entry in ClinVar:

ClinVar aggregate classification (germline): Likely pathogenic (1 of 4 stars; one submission).

Conditions:
PCNT-related disorder. Also called: PCNT-related condition.

Submission:

PreventionGenetics, part of Exact Sciences
Classification: Likely pathogenic for PCNT-related condition. Last evaluated: 2026-08-28. Review status: criteria provided, single submitter. Criteria: ACMG Guidelines, 2015. Collection method: clinical testing. Allele origin: germline.
Comment: The PCNT c.3259G>T variant is predicted to result in premature protein termination (p.Glu1087*). To our knowledge, this variant has not been reported in the literature or in a large population database (gnomAD), indicating this variant is rare. Nonsense variants in PCNT are expected to be pathogenic. This variant is interpreted as likely pathogenic.

NM_006031.6(PCNT):c.3259G>T (p.Glu1087Ter)

Gene: PCNT (pericentrin; plus strand). Cytogenetic location: 21q22.3.
Variant type: single nucleotide variant.
Coding change: c.3259G>T on transcript NM_006031.6 (MANE Select); coding-DNA position 3259, G replaced by T.
Protein change: p.Glu1087Ter; replaces glutamic acid 1087 with a stop codon.
Molecular consequence: nonsense.
Genome position (GRCh38, 1-based): chr21:46,381,787, G>T. VCF-style: chr21-46381787-G-T. GRCh37 (hg19) VCF-style: chr21-47801702-G-T.
Other names: c.2905G>T, p.Glu969Ter (NM_001315529.2); short protein forms E1087*, E969*.
Identifiers: ClinVar variation 4991710 (VCV004991710.1).
Genomic context (GRCh38, chr21:46,381,787, plus strand): 5'-CATGAAAAAGAGGAGACACTTCGGCTTCAGAGTGCACAGGCACAGCCTTTTCACCAAGAG[G>T]AGAAAGAGTCTTTGTCTCTGCAGCTTCAAAAGAAGAATCACCAAGTCCAGCAGGTGTGTG-3'